The following is an entry in ClinVar:

NM_007325.5(GRIA3):c.1544G>A (p.Arg515His)

Gene: GRIA3 (glutamate ionotropic receptor AMPA type subunit 3; plus strand). Cytogenetic location: Xq25.
Variant type: single nucleotide variant.
Coding change: c.1544G>A on transcript NM_007325.5 (MANE Select); coding-DNA position 1544, G replaced by A.
Protein change: p.Arg515His; replaces arginine 515 with histidine.
Molecular consequence: missense variant.
Genome position (GRCh38, 1-based): chrX:123,417,445, G>A. VCF-style: chrX-123417445-G-A. GRCh37 (hg19) VCF-style: chrX-122551296-G-A.
Other names: c.1544G>A, p.Arg515His (NM_000828.5); short protein forms R515H.
Identifiers: ClinVar variation 1804942 (VCV001804942.2), dbSNP rs1193723455, ClinGen allele CA414256533.

ClinVar aggregate classification (germline): Conflicting classifications of pathogenicity. Review status: criteria provided, conflicting classifications (1 of 4 stars). 2 submissions from 2 submitters: Likely pathogenic (1); Uncertain significance (1). Last evaluated 2025-02-20.

Conditions:
Syndromic X-linked intellectual disability 94 (MRXSW). Also called: X-linked intellectual disability due to GRIA3 anomalies; MENTAL RETARDATION, X-LINKED, SYNDROMIC 29. Identifiers: Orphanet 364028, MedGen C2678051, MONDO:0010402, OMIM 300699.

Allele frequency attached by ClinVar (database versions not stated): TOPMed below 0.00001.

Submissions (2):

Labcorp Genetics (formerly Invitae), Labcorp
Classification: Uncertain significance. Last evaluated: 2025-02-20. Review status: criteria provided, single submitter. Criteria: Invitae Variant Classification Sherloc (09022015). Collection method: clinical testing. Allele origin: germline.
Comment: This sequence change replaces arginine, which is basic and polar, with histidine, which is basic and polar, at codon 515 of the GRIA3 protein (p.Arg515His). This variant is not present in population databases (gnomAD no frequency). This missense change has been observed in individual(s) with GRIA3-related conditions (PMID: 36368352). ClinVar contains an entry for this variant (Variation ID: 1804942). Invitae Evidence Modeling of protein sequence and biophysical properties (such as structural, functional, and spatial information, amino acid conservation, physicochemical variation, residue mobility, and thermodynamic stability) indicates that this missense variant is expected to disrupt GRIA3 protein function with a positive predictive value of 80%. In summary, the available evidence is currently insufficient to determine the role of this variant in disease. Therefore, it has been classified as a Variant of Uncertain Significance.

Victorian Clinical Genetics Services, Murdoch Childrens Research Institute
Classification: Likely pathogenic for Syndromic X-linked intellectual disability 94. Last evaluated: 2021-05-06. Review status: criteria provided, single submitter. Criteria: ACMG Guidelines, 2015. Collection method: clinical testing. Allele origin: germline. Inheritance: X-linked recessive inheritance. Affected: yes.
Comment: Based on the classification scheme VCGS_Germline_v1.3.4, this variant is classified as Likely pathogenic. Following criteria are met: 0102 - Loss of function is a known mechanism of disease in this gene and is associated with Wu type X-linked syndromic intellectual developmental disorder (MIM#300699). (I) 0115 - Variants in this gene are known to have variable expressivity (PMID: 32977175). (I) 0200 - Variant is predicted to result in a missense amino acid change from arginine to histidine. (I) 0253 - This variant is hemizygous. (I) 0301 - Variant is absent from gnomAD (both v2 and v3). (SP) 0501 - Missense variant consistently predicted to be damaging by multiple in silico tools or highly conserved with a major amino acid change. (SP) 0603 - Missense variant in a region that is highly intolerant to missense variation (high constraint region in DECIPHER). In addition, this residue is a glutamate binding site (Uniprot; PMID: 19022251) and glutamate binding is involved in changing the receptor state to open and active (PMID: 20716669). (SP) 0705 - No comparable missense variants have previous evidence for pathogenicity. (I) 0807 - This variant has no previous evidence of pathogenicity. (I) 0905 - No published segregation evidence has been identified for this variant. (I) 1007 - No published functional evidence has been identified for this variant. (I) 1208 - Inheritance information for this variant is not currently available in this individual. (I) Legend: (SP) - Supporting pathogenic, (I) - Information, (SB) - Supporting benign

Literature cited by the submitters: PubMed 36368352 (cited by Labcorp Genetics (formerly Invitae), Labcorp); PubMed 19022251 (cited by Victorian Clinical Genetics Services, Murdoch Childrens Research Institute); PubMed 20716669 (cited by Victorian Clinical Genetics Services, Murdoch Childrens Research Institute); PubMed 32977175 (cited by Victorian Clinical Genetics Services, Murdoch Childrens Research Institute).